The following is an entry in ClinVar:

NM_015030.2(FRYL):c.1641-2A>G

Gene: FRYL (FRY like transcription coactivator; minus strand). Cytogenetic location: 4p11.
Variant type: single nucleotide variant.
Coding change: c.1641-2A>G on transcript NM_015030.2 (MANE Select); the canonical splice acceptor site of the intron before coding-DNA position 1641, A replaced by G.
Molecular consequence: splice acceptor variant.
Genome position (GRCh38, 1-based): chr4:48,586,730, T>C on the plus strand (A>G on the coding strand, the complement: FRYL is on the minus strand). VCF-style: chr4-48586730-T-C. GRCh37 (hg19) VCF-style: chr4-48588747-T-C.
Identifiers: ClinVar variation 4281697 (VCV004281697.1).

ClinVar aggregate classification (germline): Likely pathogenic (1 of 4 stars; one submission).

Submission:

GeneDx
Classification: Likely pathogenic. Last evaluated: 2025-04-08. Review status: criteria provided, single submitter. Criteria: GeneDx Variant Classification Process June 2021. Collection method: clinical testing. Allele origin: germline. Affected: yes.
Comment: Canonical splice site variant predicted to result in an in-frame loss of the adjacent exon in a gene for which loss of function is a known mechanism of disease; Not observed at significant frequency in large population cohorts (gnomAD); Has not been previously published as pathogenic or benign to our knowledge